The following is an entry in ClinVar:

ClinVar aggregate classification (germline): Uncertain significance. Review status: criteria provided, multiple submitters, no conflicts (2 of 4 stars). 4 submissions from 4 submitters: Uncertain significance (4). Last evaluated 2025-05-23.

Conditions:
Colorectal cancer, hereditary nonpolyposis, type 7. Identifiers: Orphanet 144, MedGen C1858380, MONDO:0013725, OMIM 614385.

Allele frequency attached by ClinVar (database versions not stated): gnomAD exomes below 0.00001 and 0.00001; ExAC 0.00001; TOPMed 0.00001; gnomAD 0.00003.

Submissions (4):

Labcorp Genetics (formerly Invitae), Labcorp
Classification: Uncertain significance for Colorectal cancer, hereditary nonpolyposis, type 7. Last evaluated: 2025-05-23. Review status: criteria provided, single submitter. Criteria: Invitae Variant Classification Sherloc (09022015). Collection method: clinical testing. Allele origin: germline.
Comment: This sequence change replaces isoleucine, which is neutral and non-polar, with threonine, which is neutral and polar, at codon 1366 of the MLH3 protein (p.Ile1366Thr). This variant is present in population databases (rs61752724, gnomAD 0.002%). This variant has not been reported in the literature in individuals affected with MLH3-related conditions. ClinVar contains an entry for this variant (Variation ID: 565365). An algorithm developed to predict the effect of missense changes on protein structure and function (PolyPhen-2) suggests that this variant is likely to be disruptive. In summary, the available evidence is currently insufficient to determine the role of this variant in disease. Therefore, it has been classified as a Variant of Uncertain Significance.

ARUP Laboratories, Molecular Genetics and Genomics, ARUP Laboratories
Classification: Uncertain significance. Last evaluated: 2025-04-29. Review status: criteria provided, single submitter. Criteria: ARUP Molecular Germline Variant Investigation Process 2024. Collection method: clinical testing. Allele origin: germline.
Comment: The MLH3 c.4097C>T; p.Ile1366Thr variant (rs61752724), to our knowledge, is not reported in the medical literature but is reported in ClinVar (Variation ID: 565365). This variant is only observed on two alleles in the Genome Aggregation Database (v2.1.1), indicating it is not a common polymorphism. Computational analyses predict that this variant is deleterious (REVEL: 0.908). Due to limited information, the clinical significance of this variant is uncertain at this time.

Center for Genomic Medicine, Rigshospitalet, Copenhagen University Hospital
Classification: Uncertain significance. Last evaluated: 2025-03-04. Review status: criteria provided, single submitter. Criteria: ACMG Guidelines, 2015. Collection method: clinical testing. Allele origin: germline.

Ambry Genetics
Classification: Uncertain significance. Last evaluated: 2024-03-18. Review status: criteria provided, single submitter. Criteria: Ambry Variant Classification Scheme 2023. Collection method: clinical testing. Allele origin: germline.
Comment: The p.I1366T variant (also known as c.4097T>C), located in coding exon 11 of the MLH3 gene, results from a T to C substitution at nucleotide position 4097. The isoleucine at codon 1366 is replaced by threonine, an amino acid with similar properties. This amino acid position is well conserved in available vertebrate species. In addition, this alteration is predicted to be deleterious by in silico analysis. Since supporting evidence is limited at this time, the clinical significance of this alteration remains unclear.

NM_001040108.2(MLH3):c.4097T>C (p.Ile1366Thr)

Gene: MLH3 (mutL homolog 3; minus strand). Cytogenetic location: 14q24.3.
Variant type: single nucleotide variant.
Coding change: c.4097T>C on transcript NM_001040108.2 (MANE Select); coding-DNA position 4097, T replaced by C.
Protein change: p.Ile1366Thr; replaces isoleucine 1366 with threonine.
Molecular consequence: missense variant.
Genome position (GRCh38, 1-based): chr14:75,018,974, A>G on the plus strand (T>C on the coding strand, the complement: MLH3 is on the minus strand). VCF-style: chr14-75018974-A-G. GRCh37 (hg19) VCF-style: chr14-75485677-A-G.
Other names: c.4025T>C, p.Ile1342Thr (NM_014381.3); short protein forms I1366T, I1342T.
Identifiers: ClinVar variation 565365 (VCV000565365.13), dbSNP rs61752724, ClinGen allele CA7275221.